The following is an entry in ClinVar:

ClinVar aggregate classification (germline): Uncertain significance. Review status: criteria provided, multiple submitters, no conflicts (2 of 4 stars). 8 submissions from 8 submitters: Uncertain significance (8). Last evaluated 2025-06-16.

Conditions:
Inborn genetic diseases. Identifiers: MedGen C0950123, MeSH D030342.
Developmental and epileptic encephalopathy, 18 (DEE18). Also called: Early infantile epileptic encephalopathy 18. Identifiers: Orphanet 369894, MedGen C3809624, MONDO:0014201, OMIM 615476.

Allele frequency attached by ClinVar (database versions not stated): 1000 Genomes Project 30x 0.00016; gnomAD 0.00016 and 0.00017; 1000 Genomes Project 0.00020; TOPMed 0.00020; gnomAD exomes 0.00025 and 0.00038; ESP Exome Variant Server 0.00046; ExAC 0.00057.
gnomAD v4.1: 575 of 1,593,464 alleles (0.036%); highest among the groups gnomAD compares: Non-Finnish European, 0.046%; 1 homozygote.

Submissions (8):

GeneDx
Classification: Uncertain significance. Last evaluated: 2025-06-16. Review status: criteria provided, single submitter. Criteria: GeneDx Variant Classification Process June 2021. Collection method: clinical testing. Allele origin: germline. Affected: yes.
Comment: In silico analysis suggests that this missense variant does not alter protein structure/function; Has not been previously published as pathogenic or benign to our knowledge

Blueprint Genetics
Classification: Uncertain significance. Last evaluated: 2024-09-19. Review status: criteria provided, single submitter. Criteria: ACMG Guidelines, 2015. Collection method: clinical testing. Allele origin: germline.

Women's Health and Genetics/Laboratory Corporation of America, LabCorp
Classification: Uncertain significance. Last evaluated: 2024-05-16. Review status: criteria provided, single submitter. Criteria: LabCorp Variant Classification Summary - May 2015. Collection method: clinical testing. Allele origin: germline.
Comment: Variant summary: SZT2 c.5642T>C (p.Ile1881Thr) results in a non-conservative amino acid change in the encoded protein sequence. Four of five in-silico tools predict a benign effect of the variant on protein function. The variant allele was found at a frequency of 0.00025 in 216086 control chromosomes. The available data on variant occurrences in the general population are insufficient to allow any conclusion about variant significance. To our knowledge, no occurrence of c.5642T>C in individuals affected with Early Infantile Epileptic Encephalopathy 18 and no experimental evidence demonstrating its impact on protein function have been reported. ClinVar contains an entry for this variant (Variation ID: 854733). Based on the evidence outlined above, the variant was classified as uncertain significance.

Genome-Nilou Lab
Classification: Uncertain significance for Developmental and epileptic encephalopathy, 18. Last evaluated: 2023-04-11. Review status: criteria provided, single submitter. Criteria: ACMG Guidelines, 2015. Collection method: clinical testing. Allele origin: germline. Affected: no.

Mayo Clinic Laboratories, Mayo Clinic
Classification: Uncertain significance. Last evaluated: 2023-04-05. Review status: criteria provided, single submitter. Criteria: ACMG Guidelines, 2015. Collection method: clinical testing. Allele origin: germline. Observed: 1 variant allele.
Comment: BP4, PM2

Labcorp Genetics (formerly Invitae), Labcorp
Classification: Uncertain significance. Last evaluated: 2022-09-27. Review status: criteria provided, single submitter. Criteria: Invitae Variant Classification Sherloc (09022015). Collection method: clinical testing. Allele origin: germline.
Comment: This sequence change replaces isoleucine, which is neutral and non-polar, with threonine, which is neutral and polar, at codon 1881 of the SZT2 protein (p.Ile1881Thr). This variant is present in population databases (rs139028174, gnomAD 0.05%). This variant has not been reported in the literature in individuals affected with SZT2-related conditions. ClinVar contains an entry for this variant (Variation ID: 854733). Advanced modeling of protein sequence and biophysical properties (such as structural, functional, and spatial information, amino acid conservation, physicochemical variation, residue mobility, and thermodynamic stability) performed at Invitae indicates that this missense variant is not expected to disrupt SZT2 protein function. In summary, the available evidence is currently insufficient to determine the role of this variant in disease. Therefore, it has been classified as a Variant of Uncertain Significance.

Fulgent Genetics
Classification: Uncertain significance for Developmental and epileptic encephalopathy, 18. Last evaluated: 2022-03-17. Review status: criteria provided, single submitter. Criteria: ACMG Guidelines, 2015. Collection method: clinical testing. Allele origin: unknown.

Ambry Genetics
Classification: Uncertain significance for Inborn genetic diseases. Last evaluated: 2018-12-04. Review status: criteria provided, single submitter. Criteria: Ambry Variant Classification Scheme 2023. Collection method: clinical testing. Allele origin: germline.
Comment: The p.I1881T variant (also known as c.5642T>C), located in coding exon 40 of the SZT2 gene, results from a T to C substitution at nucleotide position 5642. The isoleucine at codon 1881 is replaced by threonine, an amino acid with similar properties. This amino acid position is not well conserved in available vertebrate species. In addition, this alteration is predicted to be tolerated by in silico analysis. Since supporting evidence is limited at this time, the clinical significance of this alteration remains unclear.

NM_001365999.1(SZT2):c.5813T>C (p.Ile1938Thr)

Gene: SZT2 (SZT2 subunit of KICSTOR complex; plus strand). Cytogenetic location: 1p34.2.
Variant type: single nucleotide variant.
Coding change: c.5813T>C on transcript NM_001365999.1 (MANE Select); coding-DNA position 5813, T replaced by C.
Protein change: p.Ile1938Thr; replaces isoleucine 1938 with threonine.
Molecular consequence: missense variant.
Genome position (GRCh38, 1-based): chr1:43,434,394, T>C. VCF-style: chr1-43434394-T-C. GRCh37 (hg19) VCF-style: chr1-43900065-T-C.
Other names: p.Ile1881Thr; c.5642T>C, p.Ile1881Thr (NM_015284.4); short protein forms I1938T, I1881T.
Identifiers: ClinVar variation 854733 (VCV000854733.15), dbSNP rs139028174, ClinGen allele CA809712.